The following is an entry in ClinVar:

NM_139027.6(ADAMTS13):c.1261C>T (p.Arg421Cys)

Gene: ADAMTS13 (ADAM metallopeptidase with thrombospondin type 1 motif 13; plus strand). Cytogenetic location: 9q34.2.
Variant type: single nucleotide variant.
Coding change: c.1261C>T on transcript NM_139027.6 (MANE Select); coding-DNA position 1261, C replaced by T.
Protein change: p.Arg421Cys; replaces arginine 421 with cysteine.
Molecular consequence: missense variant.
Genome position (GRCh38, 1-based): chr9:133,433,657, C>T. VCF-style: chr9-133433657-C-T. GRCh37 (hg19) VCF-style: chr9-136298777-C-T.
Other names: c.1261C>T, p.Arg421Cys (NM_139025.5); c.1168C>T, p.Arg390Cys (NM_139026.6); short protein forms R421C, R390C.
Identifiers: ClinVar variation 450994 (VCV000450994.26), dbSNP rs145825553, ClinGen allele CA200927187.

ClinVar aggregate classification (germline): Conflicting classifications of pathogenicity. Review status: criteria provided, conflicting classifications (1 of 4 stars). 9 submissions from 9 submitters: Uncertain significance (8); Likely benign (1). Last evaluated 2026-01-25.

Conditions:
Upshaw-Schulman syndrome (TTP). Also called: THROMBOTIC THROMBOCYTOPENIC PURPURA, HEREDITARY; Congenital thrombotic thrombocytopenic purpura. Identifiers: Orphanet 93583, MedGen C1268935, MONDO:0010122, OMIM 274150.

Allele frequency attached by ClinVar (database versions not stated): gnomAD 0.00036 and 0.00040; TOPMed 0.00045; gnomAD exomes 0.00056 and 0.00075; ESP Exome Variant Server 0.00062; ExAC 0.00074.

Submissions (11):

Labcorp Genetics (formerly Invitae), Labcorp
Classification: Likely benign. Last evaluated: 2026-01-25. Review status: criteria provided, single submitter. Criteria: Invitae Variant Classification Sherloc (09022015). Collection method: clinical testing. Allele origin: germline.

Mayo Clinic Laboratories, Mayo Clinic
Classification: Uncertain significance. Last evaluated: 2025-06-24. Review status: criteria provided, single submitter. Criteria: ACMG Guidelines, 2015. Collection method: clinical testing. Allele origin: germline. Observed: 3 variant alleles.
Comment: BS1, BP4_moderate, PS3_moderate, PS4

Women's Health and Genetics/Laboratory Corporation of America, LabCorp
Classification: Uncertain significance. Last evaluated: 2025-05-20. Review status: criteria provided, single submitter. Criteria: LabCorp Variant Classification Summary - May 2015. Collection method: clinical testing. Allele origin: germline.
Comment: Variant summary: ADAMTS13 c.1261C>T (p.Arg421Cys) results in a non-conservative amino acid change in the encoded protein sequence. Algorithms developed to predict the effect of missense changes on protein structure and function are either unavailable or do not agree on the potential impact of this missense change. The variant was absent in 1613784 control chromosomes in the gnomAD database, including 1 homozygote. c.1261C>T has been observed in at least one compound heterozygous individual affected with Hereditary Thrombotic Thrombocytopenic Purpura with severely reduced ADAMTS13 activity (e.g. Borogovac_2022). It has also been reported in the heterozygous state in individuals in case/control studies of deep vein thrombosis (DVT) where it was found in both controls and individuals affected with DVT reporting moderately reduced ADAMTS13 activity (e.g. Pagliari_2016, Pagliari_2021), and it was reported in at least one other study of individuals with DVT, without a specified genotype (e.g. Lotta_2013). Finally, the variant has been observed in at least one case of atypical hemolytic uremic syndrome without strong evidence for causality or additional genotype information (e.g. Thergaonkar_2018). These report(s) do not provide unequivocal conclusions about association of the variant with Thrombotic Thrombocytopenic Purpura. At least one publication reports experimental evidence evaluating an impact on protein function with the most pronounced variant effect showing 10%-<30% of normal antigen and enzyme activity in vitro (e.g. Pagliari_2016). Clinical and functional data provide evidence that the variant may increase risk for disease, however, unequivocal conclusions about the variant association with disease cannot currently be determined. The following publications have been ascertained in the context of this evaluation (PMID: 34807988, 23648131, 27802307, 34662354, 28939980, 35746657). ClinVar contains an entry for this variant (Variation ID: 450994). Based on the evidence outlined above, the variant was classified as VUS-possibly pathogenic.

Blueprint Genetics
Classification: Uncertain significance. Last evaluated: 2024-11-14. Review status: criteria provided, single submitter. Criteria: ACMG Guidelines, 2015. Collection method: clinical testing. Allele origin: germline.

Centre of Medical Genetics, University Hospital Muenster
Classification: Uncertain significance. Last evaluated: 2023-01-20. Review status: criteria provided, single submitter. Criteria: ACMG Guidelines, 2015. Collection method: clinical testing. Allele origin: unknown. Affected: yes. Observed: 1 variant allele, 1 homozygote.
Comment: ACMG categories: PM1,PM2,PP3

GeneDx
Classification: Uncertain significance. Last evaluated: 2020-11-20. Review status: criteria provided, single submitter. Criteria: GeneDx Variant Classification Process June 2021. Collection method: clinical testing. Allele origin: germline. Affected: yes.
Comment: Biochemical analysis of serum from a patient with the R421C variant, as well as in vitro functional studies in HEK293 cells, demonstrate reduced ADAMTS13 enzyme activity and reduced ADAMTS13 antigen levels (Pagliari et al., 2016); In silico analysis supports that this missense variant has a deleterious effect on protein structure/function; In-silico analysis, which includes splice predictors and evolutionary conservation, is inconclusive as to whether the variant alters gene splicing. In the absence of RNA/functional studies, the actual effect of this sequence change is unknown.; Identified in patients with deep venous thrombosis in published literature, although the variant was also present in individuals from the control cohorts in one study (Lotta et al., 2013; Pagliari et al., 2016); This variant is associated with the following publications: (PMID: 27802307, 23648131, 28939980)

Illumina Laboratory Services, Illumina
Classification: Uncertain significance for Upshaw-Schulman syndrome. Last evaluated: 2017-04-28. Review status: criteria provided, single submitter. Criteria: ICSL Variant Classification Criteria 13 December 2019. Collection method: clinical testing. Allele origin: germline.
Comment: This variant was observed as part of a predisposition screen in an ostensibly healthy population. A literature search was performed for the gene, cDNA change, and amino acid change (where applicable). Publications were found based on this search. However, the evidence from the literature, in combination with allele frequency data from public databases where available, was not sufficient to rule this variant in or out of causing disease. Therefore, this variant is classified as a variant of unknown significance.

Breakthrough Genomics
Classification: Uncertain significance. Review status: criteria provided, single submitter. Criteria: ACMG Guidelines, 2015. Collection method: not provided. Allele origin: germline. Inheritance: Autosomal recessive inheritance. Affected: yes.

Neuberg Centre For Genomic Medicine, NCGM
Classification: Uncertain significance for Upshaw-Schulman syndrome. Review status: criteria provided, single submitter. Criteria: ACMG Guidelines, 2015. Collection method: clinical testing. Allele origin: germline. Inheritance: Autosomal recessive inheritance. Affected: yes.
Comment: The missense c.1261C>T p.Arg421Cys variant in the ADAMTS13 gene has been reported previously in patients with deep venous thrombosis Lotta et al., 2013. Biochemical analysis of serum from a patient with the p.Arg421Cys variant, as well as in vitro functional studies in HEK293 cells, demonstrate reduced ADAMTS13 enzyme activity and reduced ADAMTS13 antigen levels Pagliari et al., 2016. The variant has allele frequency of 0.007% in gnomAD Exomes and 1000 Genomes. It is submitted to ClinVar as Uncertain Significance/ Likely Benign. The amino acid Arginine at position 421 is changed to a Cystine changing protein sequence and it might alter its composition and physico-chemical properties. The variant is predicted as damaging by SIFT. The amino acid change p.Arg421Cys in ADAMTS13 is predicted as conserved by GERP++ and PhyloP across 100 vertebrates. In the absence of RNA/functional studies, the actual effect of this sequence change is unknown. For these reasons, this variant has been classified as Uncertain Significance.

Dr. Peter K. Rogan Lab, Western University
No classification provided (evidence only). Condition: Ovarian serous cystadenocarcinoma. Review status: no classification provided. Collection method: in vitro. Allele origin: not applicable. Functional consequence: retained intron. Not counted in ClinVar's aggregate classification.

Dr. Peter K. Rogan Lab, Western University
No classification provided (evidence only). Condition: Ovarian serous cystadenocarcinoma. Review status: no classification provided. Collection method: in vitro. Allele origin: not applicable. Functional consequence: skipped exon. Not counted in ClinVar's aggregate classification.

Literature cited by the submitters: PubMed 27802307 (cited by Mayo Clinic Laboratories, Mayo Clinic and Women's Health and Genetics/Laboratory Corporation of America, LabCorp); PubMed 28939980 (cited by Mayo Clinic Laboratories, Mayo Clinic and Women's Health and Genetics/Laboratory Corporation of America, LabCorp); PubMed 34662354 (cited by Women's Health and Genetics/Laboratory Corporation of America, LabCorp); PubMed 34807988 (cited by Women's Health and Genetics/Laboratory Corporation of America, LabCorp); PubMed 23648131 (cited by Women's Health and Genetics/Laboratory Corporation of America, LabCorp and Illumina Laboratory Services, Illumina); PubMed 35746657 (cited by Women's Health and Genetics/Laboratory Corporation of America, LabCorp).